The following is an entry in ClinVar:

NM_001386795.1(DTNA):c.51G>A (p.Gln17=)

Genes: DTNA (dystrobrevin alpha; plus strand), DTNA-AS1 (DTNA antisense RNA 1; minus strand). Cytogenetic location: 18q12.1.
Variant type: single nucleotide variant.
Coding change: c.51G>A on transcript NM_001386795.1 (MANE Select); coding-DNA position 51, G replaced by A.
Protein change: p.Gln17=; no amino-acid change (glutamine 17 retained).
Molecular consequence: synonymous variant.
Genome position (GRCh38, 1-based): chr18:34,756,027, G>A. VCF-style: chr18-34756027-G-A. GRCh37 (hg19) VCF-style: chr18-32335991-G-A.
Other names: p.Gln17Gln; c.51G>A, p.Gln17= (NM_001128175.2, NM_001198938.2, NM_001198939.2 and 35 more transcripts).
Identifiers: ClinVar variation 46425 (VCV000046425.19), dbSNP rs368000651, ClinGen allele CA138332.

ClinVar aggregate classification (germline): Benign/Likely benign. Review status: criteria provided, multiple submitters, no conflicts (2 of 4 stars). 6 submissions from 6 submitters: Benign (1); Likely benign (5). Last evaluated 2026-01-12.

Conditions:
DTNA-related disorder. Also called: DTNA-related condition.
Left ventricular noncompaction 1 (LVNC1). Also called: LEFT VENTRICULAR NONCOMPACTION 1 WITH OR WITHOUT CONGENITAL HEART DEFECTS. Identifiers: Orphanet 54260, MedGen C1858725, MONDO:0011403, OMIM 604169.

Allele frequency attached by ClinVar (database versions not stated): gnomAD exomes 0.00013 and 0.00027; ESP Exome Variant Server 0.00015; ExAC 0.00019; gnomAD 0.00030 and 0.00031; TOPMed 0.00032.
gnomAD v4.1: 250 of 1,613,270 alleles (0.015%); highest among the groups gnomAD compares: Middle Eastern, 0.25%; 1 homozygote.

Submissions (6):

Labcorp Genetics (formerly Invitae), Labcorp
Classification: Likely benign for Left ventricular noncompaction 1. Last evaluated: 2026-01-12. Review status: criteria provided, single submitter. Criteria: Invitae Variant Classification Sherloc (09022015). Collection method: clinical testing. Allele origin: germline.

Women's Health and Genetics/Laboratory Corporation of America, LabCorp
Classification: Benign. Last evaluated: 2025-07-03. Review status: criteria provided, single submitter. Criteria: LabCorp Variant Classification Summary - May 2015. Collection method: clinical testing. Allele origin: germline.

PreventionGenetics, part of Exact Sciences
Classification: Likely benign for DTNA-related condition. Last evaluated: 2025-01-23. Review status: criteria provided, single submitter. Criteria: ACMG Guidelines, 2015. Collection method: clinical testing. Allele origin: germline.
Comment: This variant is classified as likely benign based on ACMG/AMP sequence variant interpretation guidelines (Richards et al. 2015 PMID: 25741868, with internal and published modifications).

Blueprint Genetics
Classification: Likely benign. Last evaluated: 2024-10-25. Review status: criteria provided, single submitter. Criteria: ACMG Guidelines, 2015. Collection method: clinical testing. Allele origin: germline.

GeneDx
Classification: Likely benign. Last evaluated: 2020-11-04. Review status: criteria provided, single submitter. Criteria: GeneDx Variant Classification Process June 2021. Collection method: clinical testing. Allele origin: germline. Affected: yes.

Laboratory for Molecular Medicine, Mass General Brigham Personalized Medicine
Classification: Likely benign. Last evaluated: 2018-06-04. Review status: criteria provided, single submitter. Criteria: LMM Criteria. Collection method: clinical testing. Allele origin: germline. Observed: 3 variant alleles.
Comment: The p.Gln17Gln variant in DTNA variant is classified as likely benign because it does not alter an amino acid residue, is not located within the splice consensu s sequence, and computational tools do not suggest a splicing impact. It has bee n identified in 0.02% (71/276606) of chromosomes by the Genome Aggregation Datab ase (gnomAD; dbSNP rs368000651). ACMG/AMP Crit eria applied: BS1, BP4, BP7.